The following is an entry in ClinVar:

ClinVar aggregate classification (germline): Uncertain significance (1 of 4 stars; one submission).

gnomAD v4.1: 1 of 1,514,790 alleles (0.000066%); highest among the groups gnomAD compares: South Asian, 0.0011%; no homozygotes.

Submission:

GeneDx
Classification: Uncertain significance. Last evaluated: 2026-04-24. Review status: criteria provided, single submitter. Criteria: GeneDx Variant Classification Process June 2021. Collection method: clinical testing. Allele origin: germline.
Comment: Not observed at significant frequency in large population cohorts (gnomAD); In silico analysis suggests that this missense variant does not alter protein structure/function; Has not been previously published as pathogenic or benign to our knowledge

NM_018082.6(POLR3B):c.1955A>G (p.Lys652Arg)

Gene: POLR3B (RNA polymerase III subunit B; plus strand). Cytogenetic location: 12q23.3.
Variant type: single nucleotide variant.
Coding change: c.1955A>G on transcript NM_018082.6 (MANE Select); coding-DNA position 1955, A replaced by G.
Protein change: p.Lys652Arg; replaces lysine 652 with arginine.
Molecular consequence: missense variant.
Genome position (GRCh38, 1-based): chr12:106,437,779, A>G. VCF-style: chr12-106437779-A-G. GRCh37 (hg19) VCF-style: chr12-106831557-A-G.
Other names: c.1781A>G, p.Lys594Arg (NM_001160708.2); short protein forms K594R, K652R.
Identifiers: ClinVar variation 5037515 (VCV005037515.1).